The following is an entry in ClinVar:

NM_013275.6(ANKRD11):c.6403C>A (p.Pro2135Thr)

Gene: ANKRD11 (ankyrin repeat domain containing 11; minus strand). Cytogenetic location: 16q24.3.
Variant type: single nucleotide variant.
Coding change: c.6403C>A on transcript NM_013275.6 (MANE Select); coding-DNA position 6403, C replaced by A.
Protein change: p.Pro2135Thr; replaces proline 2135 with threonine.
Molecular consequence: missense variant.
Genome position (GRCh38, 1-based): chr16:89,280,139, G>T on the plus strand (C>A on the coding strand, the complement: ANKRD11 is on the minus strand). VCF-style: chr16-89280139-G-T. GRCh37 (hg19) VCF-style: chr16-89346547-G-T.
Other names: c.6403C>A, p.Pro2135Thr (NM_001256182.2, NM_001256183.2); short protein forms P2135T.
Identifiers: ClinVar variation 3063855 (VCV003063855.1), dbSNP rs576866773, ClinGen allele CA397151220.

ClinVar aggregate classification (germline): Uncertain significance (1 of 4 stars; one submission).

Submission:

Women's Health and Genetics/Laboratory Corporation of America, LabCorp
Classification: Uncertain significance. Last evaluated: 2024-01-11. Review status: criteria provided, single submitter. Criteria: LabCorp Variant Classification Summary - May 2015. Collection method: clinical testing. Allele origin: germline.
Comment: Variant summary: ANKRD11 c.6403C>A (p.Pro2135Thr) results in a non-conservative amino acid change in the encoded protein sequence. Five of five in-silico tools predict a damaging effect of the variant on protein function. The variant was absent in 236278 control chromosomes. The available data on variant occurrences in the general population are insufficient to allow any conclusion about variant significance. To our knowledge, no occurrence of c.6403C>A in individuals affected with KBG Syndrome and no experimental evidence demonstrating its impact on protein function have been reported. No submitters have cited clinical-significance assessments for this variant to ClinVar. Based on the evidence outlined above, the variant was classified as uncertain significance.